The following is an entry in ClinVar:

ClinVar aggregate classification (germline): Likely benign. Review status: criteria provided, multiple submitters, no conflicts (2 of 4 stars). 4 submissions from 4 submitters: Likely benign (4). Last evaluated 2026-04-06.

Conditions:
IL6ST-related disorder. Also called: IL6ST-related condition.

Allele frequency attached by ClinVar (database versions not stated): gnomAD exomes 0.00003 and 0.00010; ExAC 0.00004; TOPMed 0.00039; gnomAD 0.00040 and 0.00041; 1000 Genomes Project 0.00060; 1000 Genomes Project 30x 0.00078.
gnomAD v4.1: 105 of 1,613,418 alleles (0.0065%); highest among the groups gnomAD compares: Admixed American, 0.17%; 2 homozygotes.

Submissions (4):

Women's Health and Genetics/Laboratory Corporation of America, LabCorp
Classification: Likely benign. Last evaluated: 2026-04-06. Review status: criteria provided, single submitter. Criteria: LabCorp Variant Classification Summary - May 2015. Collection method: clinical testing. Allele origin: germline.

Labcorp Genetics (formerly Invitae), Labcorp
Classification: Likely benign. Last evaluated: 2025-12-20. Review status: criteria provided, single submitter. Criteria: Invitae Variant Classification Sherloc (09022015). Collection method: clinical testing. Allele origin: germline.

PreventionGenetics, part of Exact Sciences
Classification: Likely benign for IL6ST-related condition. Last evaluated: 2024-12-06. Review status: criteria provided, single submitter. Criteria: ACMG Guidelines, 2015. Collection method: clinical testing. Allele origin: germline.
Comment: This variant is classified as likely benign based on ACMG/AMP sequence variant interpretation guidelines (Richards et al. 2015 PMID: 25741868, with internal and published modifications).

Blueprint Genetics
Classification: Likely benign. Last evaluated: 2021-05-24. Review status: criteria provided, single submitter. Criteria: ACMG Guidelines, 2015. Collection method: clinical testing. Allele origin: germline.

NM_002184.4(IL6ST):c.1383A>G (p.Ser461=)

Gene: IL6ST (interleukin 6 cytokine family signal transducer; minus strand). Cytogenetic location: 5q11.2.
Variant type: single nucleotide variant.
Coding change: c.1383A>G on transcript NM_002184.4 (MANE Select); coding-DNA position 1383, A replaced by G.
Protein change: p.Ser461=; no amino-acid change (serine 461 retained).
Molecular consequence: synonymous variant. On other transcripts: 3 prime UTR variant (1), non-coding transcript variant (2), intron variant (1).
Genome position (GRCh38, 1-based): chr5:55,954,877, T>C on the plus strand (A>G on the coding strand, the complement: IL6ST is on the minus strand). VCF-style: chr5-55954877-T-C. GRCh37 (hg19) VCF-style: chr5-55250705-T-C.
Other names: c.1383A>G, p.Ser461= (NM_001364275.2); c.1173A>G, p.Ser391= (NM_001364276.2); c.516A>G, p.Ser172= (NM_001364277.2); c.480A>G, p.Ser160= (NM_001364278.2); c.387A>G, p.Ser129= (NM_001364279.2); c.*310A>G (NM_175767.3); c.1267+1148A>G (NM_001190981.2); c.1383A>G (NM_002184.3).
Identifiers: ClinVar variation 1672292 (VCV001672292.11), dbSNP rs187546136, ClinGen allele CA3271438.